The following is an entry in ClinVar:

NM_021098.3(CACNA1H):c.4760-13_4760-11del

Gene: CACNA1H (calcium voltage-gated channel subunit alpha1 H; plus strand). Cytogenetic location: 16p13.3.
Variant type: Deletion.
Coding change: c.4760-13_4760-11del on transcript NM_021098.3 (MANE Select); 13 bases into the intron before coding-DNA position 4760 through 11 bases into the intron before coding-DNA position 4760, 3 bases deleted (CTT; older notation c.4760-13_4760-11delCTT).
Molecular consequence: intron variant.
Genome position (GRCh38, 1-based): chr16:1,212,498-1,212,500, CTT deleted. VCF-style (leftmost placement, unchanged base first): chr16-1212497-CCTT-C. GRCh37 (hg19) VCF-style: chr16-1262497-CCTT-C.
Other names: c.4759+360_4759+362del (NM_001005407.2).
Identifiers: ClinVar variation 3762711 (VCV003762711.2).

ClinVar aggregate classification (germline): Uncertain significance (1 of 4 stars; one submission).

Conditions:
Idiopathic generalized epilepsy. Also called: EIG; Generalised epilepsy. Identifiers: MedGen C0270850, MONDO:0005579, OMIM 600669.
Hyperaldosteronism, familial, type IV (HALD4). Also called: FH IV; ALDOSTERONISM, PRIMARY, AND HYPERTENSION. Identifiers: Orphanet 642671, MedGen C4310756, MONDO:0014875, OMIM 617027.

Submission:

Labcorp Genetics (formerly Invitae), Labcorp
Classification: Uncertain significance for Idiopathic generalized epilepsy; Hyperaldosteronism, familial, type IV. Last evaluated: 2024-04-10. Review status: criteria provided, single submitter. Criteria: Invitae Variant Classification Sherloc (09022015). Collection method: clinical testing. Allele origin: germline.
Comment: This sequence change falls in intron 25 of the CACNA1H gene. It does not directly change the encoded amino acid sequence of the CACNA1H protein. This variant is not present in population databases (gnomAD no frequency). This variant has not been reported in the literature in individuals affected with CACNA1H-related conditions. Algorithms developed to predict the effect of sequence changes on RNA splicing suggest that this variant may disrupt the consensus splice site. In summary, the available evidence is currently insufficient to determine the role of this variant in disease. Therefore, it has been classified as a Variant of Uncertain Significance.